The following is an entry in ClinVar:

NM_004281.4(BAG3):c.286A>G (p.Ile96Val)

Gene: BAG3 (BAG cochaperone 3; plus strand). Cytogenetic location: 10q26.11.
Variant type: single nucleotide variant.
Coding change: c.286A>G on transcript NM_004281.4 (MANE Select); coding-DNA position 286, A replaced by G.
Protein change: p.Ile96Val; replaces isoleucine 96 with valine.
Molecular consequence: missense variant.
Genome position (GRCh38, 1-based): chr10:119,669,956, A>G. VCF-style: chr10-119669956-A-G. GRCh37 (hg19) VCF-style: chr10-121429468-A-G.
Other names: short protein forms I96V.
Identifiers: ClinVar variation 1920838 (VCV001920838.6), dbSNP rs1299147536, ClinGen allele CA378294789.

ClinVar aggregate classification (germline): Uncertain significance. Review status: criteria provided, multiple submitters, no conflicts (2 of 4 stars). 2 submissions from 2 submitters: Uncertain significance (2). Last evaluated 2025-05-28.

Conditions:
Dilated cardiomyopathy 1HH (CMD1HH). Identifiers: Orphanet 154, MedGen C3151293, MONDO:0013479, OMIM 613881.
Myofibrillar myopathy 6. Identifiers: Orphanet 199340, MedGen C2751831, MONDO:0013061, OMIM 612954.

gnomAD v4.1: 5 of 1,614,148 alleles (0.00031%); highest among the groups gnomAD compares: Non-Finnish European, 0.00042%; no homozygotes.

Submissions (2):

GeneDx
Classification: Uncertain significance. Last evaluated: 2025-05-28. Review status: criteria provided, single submitter. Criteria: GeneDx Variant Classification Process June 2021. Collection method: clinical testing. Allele origin: germline. Affected: yes.
Comment: Not observed at significant frequency in large population cohorts (gnomAD); In silico analysis suggests that this missense variant does not alter protein structure/function; Has not been previously published as pathogenic or benign to our knowledge; This variant is associated with the following publications: (PMID: 20001957)

Labcorp Genetics (formerly Invitae), Labcorp
Classification: Uncertain significance for Dilated cardiomyopathy 1HH; Myofibrillar myopathy 6. Last evaluated: 2024-06-22. Review status: criteria provided, single submitter. Criteria: Invitae Variant Classification Sherloc (09022015). Collection method: clinical testing. Allele origin: germline.
Comment: This sequence change replaces isoleucine, which is neutral and non-polar, with valine, which is neutral and non-polar, at codon 96 of the BAG3 protein (p.Ile96Val). This variant is not present in population databases (gnomAD no frequency). This variant has not been reported in the literature in individuals affected with BAG3-related conditions. ClinVar contains an entry for this variant (Variation ID: 1920838). Advanced modeling of protein sequence and biophysical properties (such as structural, functional, and spatial information, amino acid conservation, physicochemical variation, residue mobility, and thermodynamic stability) performed at Invitae indicates that this missense variant is expected to disrupt BAG3 protein function with a positive predictive value of 80%. In summary, the available evidence is currently insufficient to determine the role of this variant in disease. Therefore, it has been classified as a Variant of Uncertain Significance.